The following is an entry in ClinVar:

ClinVar aggregate classification (germline): Uncertain significance (1 of 4 stars; one submission).

Conditions:
Congenital disorder of deglycosylation (CDDG). Identifiers: MedGen C3808991, MONDO:0031376.

Submission:

Labcorp Genetics (formerly Invitae), Labcorp
Classification: Uncertain significance for Congenital disorder of deglycosylation. Last evaluated: 2017-09-10. Review status: criteria provided, single submitter. Criteria: Invitae Variant Classification Sherloc (09022015). Collection method: clinical testing. Allele origin: germline.
Comment: In summary, the available evidence is currently insufficient to determine the role of this variant in disease. Therefore, it has been classified as a Variant of Uncertain Significance. Algorithms developed to predict the effect of missense changes on protein structure and function (SIFT, PolyPhen-2, Align-GVGD) all suggest that this variant is likely to be tolerated, but these predictions have not been confirmed by published functional studies and their clinical significance is uncertain. This variant has not been reported in the literature in individuals with NGLY1-related disease. This variant is not present in population databases (ExAC no frequency). This sequence change replaces proline with serine at codon 452 of the NGLY1 protein (p.Pro452Ser). The proline residue is moderately conserved and there is a moderate physicochemical difference between proline and serine.

NM_018297.4(NGLY1):c.1354C>T (p.Pro452Ser)

Gene: NGLY1 (N-glycanase 1; minus strand). Cytogenetic location: 3p24.2.
Variant type: single nucleotide variant.
Coding change: c.1354C>T on transcript NM_018297.4 (MANE Select); coding-DNA position 1354, C replaced by T.
Protein change: p.Pro452Ser; replaces proline 452 with serine.
Molecular consequence: missense variant.
Genome position (GRCh38, 1-based): chr3:25,732,390, G>A on the plus strand (C>T on the coding strand, the complement: NGLY1 is on the minus strand). VCF-style: chr3-25732390-G-A. GRCh37 (hg19) VCF-style: chr3-25773881-G-A.
Other names: c.1300C>T, p.Pro434Ser (NM_001145293.2); c.1228C>T, p.Pro410Ser (NM_001145294.2); c.1354C>T, p.Pro452Ser (NM_001145295.2); short protein forms P410S, P452S, P434S.
Identifiers: ClinVar variation 541256 (VCV000541256.6), dbSNP rs772810347, ClinGen allele CA351898939.